The following is an entry in ClinVar:

NM_001142800.2(EYS):c.6374C>G (p.Ser2125Ter)

Gene: EYS (EGF-like photoreceptor maintenance factor; minus strand). Cytogenetic location: 6q12.
Variant type: single nucleotide variant.
Coding change: c.6374C>G on transcript NM_001142800.2 (MANE Select); coding-DNA position 6374, C replaced by G.
Protein change: p.Ser2125Ter; replaces serine 2125 with a stop codon.
Molecular consequence: nonsense.
Genome position (GRCh38, 1-based): chr6:64,230,642, G>C on the plus strand (C>G on the coding strand, the complement: EYS is on the minus strand). VCF-style: chr6-64230642-G-C. GRCh37 (hg19) VCF-style: chr6-64940535-G-C.
Other names: c.6374C>G, p.Ser2125Ter (NM_001292009.2); short protein forms S2125*.
Identifiers: ClinVar variation 940482 (VCV000940482.7), dbSNP rs746829106, ClinGen allele CA3876924.

ClinVar aggregate classification (germline): Pathogenic (1 of 4 stars; one submission).

Allele frequency attached by ClinVar (database versions not stated): gnomAD exomes 0.00001; ExAC 0.00005.

Submission:

Labcorp Genetics (formerly Invitae), Labcorp
Classification: Pathogenic. Last evaluated: 2019-06-04. Review status: criteria provided, single submitter. Criteria: Invitae Variant Classification Sherloc (09022015). Collection method: clinical testing. Allele origin: germline.
Comment: For these reasons, this variant has been classified as Pathogenic. Loss-of-function variants in EYS are known to be pathogenic (PMID: 18836446, 20333770). This variant has not been reported in the literature in individuals with EYS-related conditions. This variant is present in population databases (rs746829106, ExAC 0.01%). This sequence change creates a premature translational stop signal (p.Ser2125*) in the EYS gene. It is expected to result in an absent or disrupted protein product.

Literature cited by the submitters: PubMed 18836446; PubMed 20333770.